The following is an entry in ClinVar:

NM_001046.3(SLC12A2):c.953-5T>C

Gene: SLC12A2 (solute carrier family 12 member 2; plus strand). Cytogenetic location: 5q23.3.
Variant type: single nucleotide variant.
Coding change: c.953-5T>C on transcript NM_001046.3 (MANE Select); 5 bases into the intron before coding-DNA position 953, T replaced by C.
Molecular consequence: intron variant.
Genome position (GRCh38, 1-based): chr5:128,114,581, T>C. VCF-style: chr5-128114581-T-C. GRCh37 (hg19) VCF-style: chr5-127450273-T-C.
Other names: c.953-5T>C (NM_001256461.2).
Identifiers: ClinVar variation 2299798 (VCV002299798.2), dbSNP rs2479294067, ClinGen allele CA2580072541.

ClinVar aggregate classification (germline): Uncertain significance (1 of 4 stars; one submission).

Conditions:
Inborn genetic diseases. Identifiers: MedGen C0950123, MeSH D030342.

Submission:

Ambry Genetics
Classification: Uncertain significance for Inborn genetic diseases. Last evaluated: 2022-07-24. Review status: criteria provided, single submitter. Criteria: Ambry Variant Classification Scheme 2023. Collection method: clinical testing. Allele origin: germline.
Comment: The c.953-5T>C intronic alteration consists of a T to C substitution 5 nucleotides before coding exon 4 in the SLC12A2 gene. Based on insufficient or conflicting evidence, the clinical significance of this alteration remains unclear.